The following is an entry in ClinVar:

NM_019892.6(INPP5E):c.131G>T (p.Gly44Val)

Gene: INPP5E (inositol polyphosphate-5-phosphatase E; minus strand). Cytogenetic location: 9q34.3.
Variant type: single nucleotide variant.
Coding change: c.131G>T on transcript NM_019892.6 (MANE Select); coding-DNA position 131, G replaced by T.
Protein change: p.Gly44Val; replaces glycine 44 with valine.
Molecular consequence: missense variant.
Genome position (GRCh38, 1-based): chr9:136,439,289, C>A on the plus strand (G>T on the coding strand, the complement: INPP5E is on the minus strand). VCF-style: chr9-136439289-C-A. GRCh37 (hg19) VCF-style: chr9-139333741-C-A.
Other names: c.131G>T, p.Gly44Val (NM_001318502.2); short protein forms G44V.
Identifiers: ClinVar variation 2006781 (VCV002006781.4), dbSNP rs1200598959, ClinGen allele CA375571208.

ClinVar aggregate classification (germline): Uncertain significance (1 of 4 stars; one submission).

Conditions:
Joubert syndrome. Also called: CEREBELLOPARENCHYMAL DISORDER IV; JOUBERT-BOLTSHAUSER SYNDROME; Familial aplasia of the vermis. Identifiers: Orphanet 475, MedGen C5979921, MONDO:0018772.

Submission:

Labcorp Genetics (formerly Invitae), Labcorp
Classification: Uncertain significance for Joubert syndrome. Last evaluated: 2022-06-14. Review status: criteria provided, single submitter. Criteria: Invitae Variant Classification Sherloc (09022015). Collection method: clinical testing. Allele origin: germline.
Comment: In summary, the available evidence is currently insufficient to determine the role of this variant in disease. Therefore, it has been classified as a Variant of Uncertain Significance. Advanced modeling of protein sequence and biophysical properties (such as structural, functional, and spatial information, amino acid conservation, physicochemical variation, residue mobility, and thermodynamic stability) performed at Invitae indicates that this missense variant is not expected to disrupt INPP5E protein function. This variant has not been reported in the literature in individuals affected with INPP5E-related conditions. This variant is not present in population databases (gnomAD no frequency). This sequence change replaces glycine, which is neutral and non-polar, with valine, which is neutral and non-polar, at codon 44 of the INPP5E protein (p.Gly44Val).